The following is an entry in ClinVar:

NM_022168.4(IFIH1):c.307C>T (p.Pro103Ser)

Gene: IFIH1 (interferon induced with helicase C domain 1; minus strand). Cytogenetic location: 2q24.2.
Variant type: single nucleotide variant.
Coding change: c.307C>T on transcript NM_022168.4 (MANE Select); coding-DNA position 307, C replaced by T.
Protein change: p.Pro103Ser; replaces proline 103 with serine.
Molecular consequence: missense variant.
Genome position (GRCh38, 1-based): chr2:162,318,001, G>A on the plus strand (C>T on the coding strand, the complement: IFIH1 is on the minus strand). VCF-style: chr2-162318001-G-A. GRCh37 (hg19) VCF-style: chr2-163174511-G-A.
Other names: short protein forms P103S.
Identifiers: ClinVar variation 3365956 (VCV003365956.1).

ClinVar aggregate classification (germline): Uncertain significance (1 of 4 stars; one submission).

Submission:

GeneDx
Classification: Uncertain significance. Last evaluated: 2023-12-19. Review status: criteria provided, single submitter. Criteria: GeneDx Variant Classification Process June 2021. Collection method: clinical testing. Allele origin: germline. Affected: yes.
Comment: Identified in the heterozygous state in a patient with chronic refractory immune thrombocytopenia in published literature, although additional clinical information and familial segregation data were not provided (PMID: 34786962); Not observed at significant frequency in large population cohorts (gnomAD); In silico analysis supports that this missense variant has a deleterious effect on protein structure/function; This variant is associated with the following publications: (PMID: 34786962)